The following is an entry in ClinVar:

ClinVar aggregate classification (germline): Likely pathogenic. Review status: criteria provided, multiple submitters, no conflicts (2 of 4 stars). 2 submissions from 2 submitters: Likely pathogenic (2). Last evaluated 2020-10-15.

Conditions:
Developmental and epileptic encephalopathy 94 (DEE94). Also called: CHD2-Related Neurodevelopmental Disorders; Epileptic encephalopathy, childhood-onset. Identifiers: Orphanet 1942, Orphanet 2382, MedGen C3809278, MONDO:0014150, OMIM 615369.
Intellectual disability. Also called: intellectual disabilities; Intellectual developmental disorder; Intellectual functioning disability. Identifiers: MedGen C3714756, MeSH D008607, MONDO:0001071, HP:0001249.

Submissions (2):

Victorian Clinical Genetics Services, Murdoch Childrens Research Institute
Classification: Likely pathogenic for Developmental and epileptic encephalopathy 94. Last evaluated: 2020-10-15. Review status: criteria provided, single submitter. Criteria: ACMG Guidelines, 2015. Collection method: clinical testing. Allele origin: germline. Inheritance: Autosomal dominant inheritance.
Comment: Based on the classification scheme VCGS_Germline_v1.1.1, this variant is classified as Likely Pathogenic. Following criteria are met: 0102 - Loss-of-function is a known mechanism of disease for this gene. (N) 0107 - This gene is known to be associated with autosomal dominant disease. (N) 0214 - In-frame deletion fully contained in a repetitive region that has high conservation. (P) 0251 - Variant is heterozygous. (N) 0301 - Variant is absent from gnomAD. (P) 0603 - Missense variant in a region that is highly intolerant to missense variation (high constraint region). (P) 0705 - No comparable variants have previous evidence for pathogenicity. (N) 0807 - Variant has not previously been reported in a clinical context. (N) 0905 - No segregation evidence has been identified for this variant. (N) 1007 - No published functional evidence has been identified for this variant. (P) Legend: (P) - Pathogenic, (N) - Neutral, (B) - Benign

Diagnostic Laboratory, Strasbourg University Hospital
Classification: Likely pathogenic for Intellectual disability. Last evaluated: 2020-09-10. Review status: criteria provided, single submitter. Criteria: ACMG Guidelines, 2015. Collection method: clinical testing. Allele origin: de novo. Affected: yes. Observed: 1 heterozygote.

NM_001271.4(CHD2):c.2764GAG[2] (p.Glu924del)

Gene: CHD2 (chromodomain helicase DNA binding protein 2; plus strand). Cytogenetic location: 15q26.1.
Variant type: Microsatellite.
Coding change: c.2764GAG[2] on transcript NM_001271.4 (MANE Select); two copies in a row of the 3-base unit GAG starting at c.2764; the reference has three copies in a row; one copy, 3 bases deleted.
Protein change: p.Glu924del; deletes glutamic acid 924.
Molecular consequence: inframe deletion.
Genome position (GRCh38, 1-based): chr15:92,979,177-92,979,179, GAG deleted; deleting any 3 consecutive bases within chr15:92,979,170-92,979,179 gives the same sequence; the position shown is the placement nearest the transcript's 3' end. VCF-style (leftmost placement, unchanged base first): chr15-92979169-TGGA-T. GRCh37 (hg19) VCF-style: chr15-93522399-TGGA-T.
Other names: c.2770_2772delGAG (NM_001271.3); short protein forms E924del.
Identifiers: ClinVar variation 981451 (VCV000981451.2), dbSNP rs2053946125, ClinGen allele CA923726303.
Genomic context (GRCh38, chr15:92,979,169, plus strand): 5'-AAGCATAACAGTTCCTTTTCCTACAGGTAAATATTTACCGCTTAGTTACAAAGGGGACTG[TGGA>T]GGAGGAGATCATAGAACGGGCCAAAAAGAAGATGGTATTAGATCATCTGGTGATTCAGCG-3'